The following is an entry in ClinVar:

ClinVar aggregate classification (germline): Uncertain significance (1 of 4 stars; one submission).

Conditions:
Wilson disease (WND). Also called: Wilson's disease. Identifiers: Orphanet 905, MedGen C0019202, MONDO:0010200, OMIM 277900. Disease mechanism: loss of function.

Submission:

All of Us Research Program, National Institutes of Health
Classification: Uncertain significance for Wilson disease. Last evaluated: 2024-09-23. Review status: criteria provided, single submitter. Criteria: ACMG Guidelines, 2015. Collection method: clinical testing. Allele origin: germline. Inheritance: Autosomal recessive inheritance. Observed: 1 variant allele, 1 heterozygote.
Comment: This study involves interpretation of variants in research participants for the purpose of population health screening. Participant phenotype was not available at the time of variant classification. Additional details can be found in publication PMID: 35346344, PMCID: PMC8962531

NM_000053.4(ATP7B):c.2258C>G (p.Ala753Gly)

Gene: ATP7B (ATPase copper transporting beta; minus strand). Cytogenetic location: 13q14.3.
Variant type: single nucleotide variant.
Coding change: c.2258C>G on transcript NM_000053.4 (MANE Select); coding-DNA position 2258, C replaced by G.
Protein change: p.Ala753Gly; replaces alanine 753 with glycine.
Molecular consequence: missense variant. On other transcripts: intron variant (20).
Genome position (GRCh38, 1-based): chr13:51,958,408, G>C on the plus strand (C>G on the coding strand, the complement: ATP7B is on the minus strand). VCF-style: chr13-51958408-G-C. GRCh37 (hg19) VCF-style: chr13-52532544-G-C.
Other names: c.2258C>G, p.Ala753Gly (NM_001406519.1, NM_001406523.1, NM_001406525.1 and 7 more transcripts); c.2006C>G, p.Ala669Gly (NM_001406531.1, NM_001406532.1, NM_001406540.1 and 1 more transcripts); c.1829C>G, p.Ala610Gly (NM_001406539.1); c.1910C>G, p.Ala637Gly (NM_001406543.1); c.1870-801C>G (NM_001406541.1, NM_001005918.3, NM_001406546.1 and 1 more transcripts); c.2122-801C>G (NM_001406527.1, NM_001406528.1, NM_001406534.1 and 2 more transcripts); c.2122-8C>G (NM_001406537.1, NM_001406521.1, NM_001406522.1 and 1 more transcripts); c.1286-8247C>G (NM_001406548.1); and 8 more; short protein forms A610G, A637G, A642G, A669G, A721G, A742G, A753G.
Identifiers: ClinVar variation 3387745 (VCV003387745.1).